The following is an entry in ClinVar:

ClinVar aggregate classification (germline): Uncertain significance (1 of 4 stars; one submission).

Submission:

Labcorp Genetics (formerly Invitae), Labcorp
Classification: Uncertain significance. Last evaluated: 2023-11-19. Review status: criteria provided, single submitter. Criteria: Invitae Variant Classification Sherloc (09022015). Collection method: clinical testing. Allele origin: germline.
Comment: This sequence change replaces serine, which is neutral and polar, with tyrosine, which is neutral and polar, at codon 195 of the PCK1 protein (p.Ser195Tyr). This variant is not present in population databases (gnomAD no frequency). This variant has not been reported in the literature in individuals affected with PCK1-related conditions. Advanced modeling of protein sequence and biophysical properties (such as structural, functional, and spatial information, amino acid conservation, physicochemical variation, residue mobility, and thermodynamic stability) performed at Invitae indicates that this missense variant is expected to disrupt PCK1 protein function with a positive predictive value of 80%. In summary, the available evidence is currently insufficient to determine the role of this variant in disease. Therefore, it has been classified as a Variant of Uncertain Significance.

NM_002591.4(PCK1):c.584C>A (p.Ser195Tyr)

Gene: PCK1 (phosphoenolpyruvate carboxykinase 1; plus strand). Cytogenetic location: 20q13.31.
Variant type: single nucleotide variant.
Coding change: c.584C>A on transcript NM_002591.4 (MANE Select); coding-DNA position 584, C replaced by A.
Protein change: p.Ser195Tyr; replaces serine 195 with tyrosine.
Molecular consequence: missense variant.
Genome position (GRCh38, 1-based): chr20:57,562,873, C>A. VCF-style: chr20-57562873-C-A. GRCh37 (hg19) VCF-style: chr20-56137929-C-A.
Other names: short protein forms S195Y.
Identifiers: ClinVar variation 2793892 (VCV002793892.3), dbSNP rs2515808666, ClinGen allele CA409435293.